The following is an entry in ClinVar:

NM_001042492.3(NF1):c.1722-2del

Gene: NF1 (neurofibromin 1; plus strand). Cytogenetic location: 17q11.2.
Variant type: Deletion.
Coding change: c.1722-2del on transcript NM_001042492.3 (MANE Select); the canonical splice acceptor site of the intron before coding-DNA position 1722, one base deleted (A; older notation c.1722-2delA).
Molecular consequence: splice acceptor variant.
Genome position (GRCh38, 1-based): chr17:31,223,442, A deleted. VCF-style (leftmost placement, unchanged base first): chr17-31223441-CA-C. GRCh37 (hg19) VCF-style: chr17-29550459-CA-C.
Other names: c.1722-2del (NM_000267.4).
Identifiers: ClinVar variation 3723916 (VCV003723916.2).

ClinVar aggregate classification (germline): Pathogenic (1 of 4 stars; one submission).

Conditions:
Neurofibromatosis, type 1 (NF1). Also called: VON RECKLINGHAUSEN DISEASE; NEUROFIBROMATOSIS, TYPE I, SOMATIC; Peripheral type neurofibromatosis; Neurofibromatosis, type I. Identifiers: Orphanet 636, MedGen C0027831, MONDO:0018975, OMIM 162200. Disease mechanism: loss of function.

Submission:

Labcorp Genetics (formerly Invitae), Labcorp
Classification: Pathogenic for Neurofibromatosis, type 1. Last evaluated: 2025-09-03. Review status: criteria provided, single submitter. Criteria: Invitae Variant Classification Sherloc (09022015). Collection method: clinical testing. Allele origin: germline.
Comment: This sequence change affects a splice site in intron 15 of the NF1 gene. It is expected to disrupt RNA splicing. Variants that disrupt the donor or acceptor splice site typically lead to a loss of protein function (PMID: 16199547), and loss-of-function variants in NF1 are known to be pathogenic (PMID: 10712197, 23913538). This variant is not present in population databases (gnomAD no frequency). Disruption of this splice site has been observed in individual(s) with clinical features of neurofibromatosis (PMID: 17311297). ClinVar contains an entry for this variant (Variation ID: 3723916). Algorithms developed to predict the effect of sequence changes on RNA splicing suggest that this variant may disrupt the consensus splice site. For these reasons, this variant has been classified as Pathogenic.

Literature cited by the submitters: PubMed 16199547; PubMed 10712197; PubMed 23913538; PubMed 17311297.